The following is an entry in ClinVar:

ClinVar aggregate classification (germline): Pathogenic (1 of 4 stars; one submission).

Conditions:
Cornelia de Lange syndrome 1 (CDLS1). Also called: TYPUS DEGENERATIVUS AMSTELODAMENSIS; Brachmann de Lange syndrome; NIPBL-Related Cornelia de Lange Syndrome. Identifiers: Orphanet 199, MedGen C4551851, MONDO:0007387, OMIM 122470.

Submission:

Labcorp Genetics (formerly Invitae), Labcorp
Classification: Pathogenic for Cornelia de Lange syndrome 1. Last evaluated: 2017-10-16. Review status: criteria provided, single submitter. Criteria: Invitae Variant Classification Sherloc (09022015). Collection method: clinical testing. Allele origin: germline.
Comment: For these reasons, this variant has been classified as Pathogenic. Many different missense substitutions (p.Leu2144Phe, p.Thr2146Pro, p.Leu2150Pro, p.Tyr2216Ser, p.Asn2236Ile, p.Arg2298Ser) at codons within exons 35-40 have been classified as pathogenic (PMID: 17106445, 20358602, 15591270, 26701315, 24635725, 16236812). This suggests that these residues are critical for NIPBL protein function, and that deletion of this region is deleterious. Deletion of exons 35-40 has not been reported in the literature in individuals with a NIPBL-related disease. However, a smaller in-frame deletion of exons 37-39 has been observed in an individual with Cornelia de Lange Syndrome and determined to be Likely Pathogenic (Invitae database). This variant is an in-frame deletion of the genomic region encompassing exons 35-40 of the NIPBL gene. It preserves the integrity of the reading frame.

Literature cited by the submitters: PubMed 17106445; PubMed 20358602; PubMed 15591270; PubMed 26701315; PubMed 24635725; PubMed 16236812.

NC_000005.10:g.(?_37044327)_(37049321_?)del

Gene: NIPBL (NIPBL cohesin loading factor; plus strand). Cytogenetic location: 5p13.2.
Variant type: Deletion.
Identifiers: ClinVar variation 543053 (VCV000543053.7).